The following is an entry in ClinVar:

ClinVar aggregate classification (germline): Uncertain significance (1 of 4 stars; one submission).

Conditions:
Hepatic veno-occlusive disease-immunodeficiency syndrome. Also called: Hepatic Veno-Occlusive Disease with Immunodeficiency. Identifiers: Orphanet 79124, MedGen C1856128, MONDO:0009338, OMIM 235550. Disease mechanism: loss of function.

Allele frequency attached by ClinVar (database versions not stated): gnomAD 0.00001; TOPMed 0.00001.
gnomAD v4.1: 3 of 1,614,050 alleles (0.00019%); highest among the groups gnomAD compares: Middle Eastern, 0.016%; no homozygotes.

Submission:

Labcorp Genetics (formerly Invitae), Labcorp
Classification: Uncertain significance for Hepatic veno-occlusive disease-immunodeficiency syndrome. Last evaluated: 2021-05-19. Review status: criteria provided, single submitter. Criteria: Invitae Variant Classification Sherloc (09022015). Collection method: clinical testing. Allele origin: germline.
Comment: This variant has not been reported in the literature in individuals with SP110-related conditions. This variant is present in population databases (rs752428563, ExAC 0.001%). This sequence change replaces threonine with isoleucine at codon 340 of the SP110 protein (p.Thr340Ile). The threonine residue is moderately conserved and there is a moderate physicochemical difference between threonine and isoleucine. Algorithms developed to predict the effect of missense changes on protein structure and function output the following: SIFT: "Tolerated"; PolyPhen-2: "Possibly Damaging"; Align-GVGD: "Class C0". The isoleucine amino acid residue is found in multiple mammalian species, suggesting that this missense change does not adversely affect protein function. These predictions have not been confirmed by published functional studies and their clinical significance is uncertain. In summary, the available evidence is currently insufficient to determine the role of this variant in disease. Therefore, it has been classified as a Variant of Uncertain Significance.

NM_080424.4(SP110):c.1019C>T (p.Thr340Ile)

Genes: SP140 (SP140 nuclear body protein; plus strand), SP110 (SP110 nuclear body protein; minus strand). Cytogenetic location: 2q37.1.
Variant type: single nucleotide variant.
Coding change: c.1019C>T on transcript NM_080424.4 (MANE Select); coding-DNA position 1019, C replaced by T.
Protein change: p.Thr340Ile; replaces threonine 340 with isoleucine.
Molecular consequence: missense variant. On other transcripts: intron variant (1).
Genome position (GRCh38, 1-based): chr2:230,202,608, G>A on the plus strand (C>T on the coding strand, the complement: SP110 is on the minus strand). VCF-style: chr2-230202608-G-A. GRCh37 (hg19) VCF-style: chr2-231067324-G-A.
Other names: c.1037C>T, p.Thr346Ile (NM_001185015.2, NM_001378442.1, NM_001378444.1 and 2 more transcripts); c.1019C>T, p.Thr340Ile (NM_001378443.1, NM_004509.5, NM_004510.4); c.899-1643C>T (NM_001378447.1); short protein forms T346I, T340I.
Identifiers: ClinVar variation 1397784 (VCV001397784.6), dbSNP rs752428563, ClinGen allele CA2154665.